The following is an entry in ClinVar:

ClinVar aggregate classification (germline): Benign (1 of 4 stars; one submission).

Allele frequency attached by ClinVar (database versions not stated): 1000 Genomes Project 0.12819; 1000 Genomes Project 30x 0.12883; gnomAD 0.13029; gnomAD exomes 0.13488; TOPMed 0.13850.
gnomAD v4.1: 199,802 of 1,485,654 alleles (13%); highest among the groups gnomAD compares: Admixed American, 15%; 13,923 homozygotes.

Submission:

Unidad de Genómica Garrahan, Hospital de Pediatría Garrahan
Classification: Benign. Last evaluated: 2024-01-24. Review status: criteria provided, single submitter. Criteria: ACMG Guidelines, 2015. Collection method: clinical testing. Allele origin: germline. Affected: no. Observed: 29 variant alleles.
Comment: This variant is classified as Benign based on local population frequency. This variant was detected in 31% of patients studied by a panel of primary immunodeficiencies. Number of patients: 29. Only high quality variants are reported.

NM_002185.5(IL7R):c.221+67A>G

Gene: IL7R (interleukin 7 receptor; plus strand). Cytogenetic location: 5p13.2.
Variant type: single nucleotide variant.
Coding change: c.221+67A>G on transcript NM_002185.5 (MANE Select); 67 bases into the intron after coding-DNA position 221, A replaced by G.
Molecular consequence: intron variant.
Genome position (GRCh38, 1-based): chr5:35,861,057, A>G. VCF-style: chr5-35861057-A-G. GRCh37 (hg19) VCF-style: chr5-35861159-A-G.
Other names: c.221+67A>G (NM_001410734.1).
Identifiers: ClinVar variation 2688248 (VCV002688248.2), dbSNP rs969128, ClinGen allele CA15402719.